The following is an entry in ClinVar:

ClinVar aggregate classification (germline): Likely benign. Review status: criteria provided, multiple submitters, no conflicts (2 of 4 stars). 3 submissions from 3 submitters: Likely benign (2). 1 of the submissions does not count toward it. Last evaluated 2025-12-13.

Conditions:
KMT2C-related disorder. Also called: KMT2C-related disorders; KMT2C-related condition.

Allele frequency attached by ClinVar (database versions not stated): ExAC 0.00008; gnomAD exomes 0.00015; gnomAD 0.00146.
gnomAD v4.1: 368 of 1,228,774 alleles (0.03%); highest among the groups gnomAD compares: African/African-American, 0.6%; 5 homozygotes.

Submissions (3):

Labcorp Genetics (formerly Invitae), Labcorp
Classification: Likely benign. Last evaluated: 2025-12-13. Review status: criteria provided, single submitter. Criteria: Invitae Variant Classification Sherloc (09022015). Collection method: clinical testing. Allele origin: germline.

Blueprint Genetics
Classification: Likely benign. Last evaluated: 2024-10-22. Review status: criteria provided, single submitter. Criteria: ACMG Guidelines, 2015. Collection method: clinical testing. Allele origin: germline.

PreventionGenetics, part of Exact Sciences
Classification: Likely benign for KMT2C-related condition. Last evaluated: 2019-08-09. Review status: no assertion criteria provided. Collection method: clinical testing. Allele origin: germline. Not counted in ClinVar's aggregate classification.
Comment: This variant is classified as likely benign based on ACMG/AMP sequence variant interpretation guidelines (Richards et al. 2015 PMID: 25741868, with internal and published modifications).

NM_170606.3(KMT2C):c.7443-9T>A

Gene: KMT2C (lysine methyltransferase 2C; minus strand). Cytogenetic location: 7q36.1.
Variant type: single nucleotide variant.
Coding change: c.7443-9T>A on transcript NM_170606.3 (MANE Select); 9 bases into the intron before coding-DNA position 7443, T replaced by A.
Molecular consequence: intron variant.
Genome position (GRCh38, 1-based): chr7:152,178,019, A>T on the plus strand (T>A on the coding strand, the complement: KMT2C is on the minus strand). VCF-style: chr7-152178019-A-T. GRCh37 (hg19) VCF-style: chr7-151875104-A-T.
Other names: c.7443-9T>A (NM_170606.2).
Identifiers: ClinVar variation 2712272 (VCV002712272.6), dbSNP rs768567502, ClinGen allele CA4579843.